The following is an entry in ClinVar:

ClinVar aggregate classification (germline): Uncertain significance (1 of 4 stars; one submission).

Allele frequency attached by ClinVar (database versions not stated): gnomAD 0.00002; TOPMed 0.00001.
gnomAD v4.1: 24 of 1,509,198 alleles (0.0016%); highest among the groups gnomAD compares: South Asian, 0.0072%; no homozygotes.

Submission:

Labcorp Genetics (formerly Invitae), Labcorp
Classification: Uncertain significance. Last evaluated: 2024-05-26. Review status: criteria provided, single submitter. Criteria: Invitae Variant Classification Sherloc (09022015). Collection method: clinical testing. Allele origin: germline.
Comment: This sequence change replaces threonine, which is neutral and polar, with methionine, which is neutral and non-polar, at codon 29 of the POLR3F protein (p.Thr29Met). This variant is present in population databases (rs748937304, gnomAD 0.01%). This variant has not been reported in the literature in individuals affected with POLR3F-related conditions. Experimental studies and prediction algorithms are not available or were not evaluated, and the functional significance of this variant is currently unknown. In summary, the available evidence is currently insufficient to determine the role of this variant in disease. Therefore, it has been classified as a Variant of Uncertain Significance.

NM_006466.4(POLR3F):c.209C>T (p.Thr70Met)

Gene: POLR3F (RNA polymerase III subunit F; plus strand). Cytogenetic location: 20p11.23.
Variant type: single nucleotide variant.
Coding change: c.209C>T on transcript NM_006466.4 (MANE Select); coding-DNA position 209, C replaced by T.
Protein change: p.Thr70Met; replaces threonine 70 with methionine.
Molecular consequence: missense variant. On other transcripts: non-coding transcript variant (1).
Genome position (GRCh38, 1-based): chr20:18,472,870, C>T. VCF-style: chr20-18472870-C-T. GRCh37 (hg19) VCF-style: chr20-18453514-C-T.
Other names: c.86C>T, p.Thr29Met (NM_001282526.2); c.209C>T, p.Thr70Met (NM_001410821.1); short protein forms T29M, T70M.
Identifiers: ClinVar variation 2955460 (VCV002955460.3), dbSNP rs748937304, ClinGen allele CA9777468.